The following is an entry in ClinVar:

ClinVar aggregate classification (germline): Benign. Review status: criteria provided, multiple submitters, no conflicts (2 of 4 stars). 9 submissions from 9 submitters: Benign (8). 1 of the submissions does not count toward it. Last evaluated 2026-02-02.

Conditions:
Joubert syndrome. Also called: Familial aplasia of the vermis; JOUBERT-BOLTSHAUSER SYNDROME. Identifiers: Orphanet 475, MedGen C5979921, MONDO:0018772.
Orofaciodigital syndrome I (OFD1). Also called: Oral-Facial-Digital Syndrome Type I; OFDS I; Papillon-Leage and Psaume Syndrome. Identifiers: Orphanet 2750, MedGen C1510460, MONDO:0010702, OMIM 311200.
Primary ciliary dyskinesia. Also called: Ciliary dyskinesia. Identifiers: Orphanet 244, MedGen C0008780, MONDO:0016575, HP:0012265.

Allele frequency attached by ClinVar (database versions not stated): TOPMed 0.01086; 1000 Genomes Project 30x 0.01165; ESP Exome Variant Server 0.01335.

Submissions (9):

Labcorp Genetics (formerly Invitae), Labcorp
Classification: Benign for Orofaciodigital syndrome I; Joubert syndrome. Last evaluated: 2026-02-02. Review status: criteria provided, single submitter. Criteria: Invitae Variant Classification Sherloc (09022015). Collection method: clinical testing. Allele origin: germline.

Blueprint Genetics
Classification: Benign. Last evaluated: 2024-11-22. Review status: criteria provided, single submitter. Criteria: ACMG Guidelines, 2015. Collection method: clinical testing. Allele origin: germline.

Mayo Clinic Laboratories, Mayo Clinic
Classification: Benign. Last evaluated: 2024-10-17. Review status: criteria provided, single submitter. Criteria: ACMG Guidelines, 2015. Collection method: clinical testing. Allele origin: germline. Observed: 6 variant alleles.
Comment: BS1, BS2, BP4, BP7

Athena Diagnostics
Classification: Benign. Last evaluated: 2021-03-19. Review status: criteria provided, single submitter. Criteria: Athena Diagnostics criteria. Collection method: clinical testing. Allele origin: unknown.

GeneDx
Classification: Benign. Last evaluated: 2018-01-18. Review status: criteria provided, single submitter. Criteria: GeneDx Variant Classification (06012015). Collection method: clinical testing. Allele origin: germline. Affected: yes.
Comment: This variant is considered likely benign or benign based on one or more of the following criteria: it is a conservative change, it occurs at a poorly conserved position in the protein, it is predicted to be benign by multiple in silico algorithms, and/or has population frequency not consistent with disease.

Ambry Genetics
Classification: Benign for Primary ciliary dyskinesia. Last evaluated: 2014-12-15. Review status: criteria provided, single submitter. Criteria: Ambry Variant Classification Scheme 2023. Collection method: clinical testing. Allele origin: germline.

Breakthrough Genomics
Classification: Benign. Review status: criteria provided, single submitter. Criteria: ACMG Guidelines, 2015. Collection method: not provided. Allele origin: germline. Inheritance: X-linked inheritance. Affected: yes.

PreventionGenetics, part of Exact Sciences
Classification: Benign. Review status: criteria provided, single submitter. Criteria: ACMG Guidelines, 2015. Collection method: clinical testing. Allele origin: germline.

Genetic Services Laboratory, University of Chicago
Classification: Likely benign. Review status: no assertion criteria provided. Collection method: clinical testing. Allele origin: germline. Inheritance: X-linked inheritance. Not counted in ClinVar's aggregate classification.
Comment: Likely benign based on allele frequency in 1000 Genomes Project or ESP global frequency and its presence in a patient with a rare or unrelated disease phenotype. NOT Sanger confirmed

NM_003611.3(OFD1):c.2052C>T (p.Ser684=)

Gene: OFD1 (OFD1 centriole and centriolar satellite protein; plus strand). Cytogenetic location: Xp22.2.
Variant type: single nucleotide variant.
Coding change: c.2052C>T on transcript NM_003611.3 (MANE Select); coding-DNA position 2052, C replaced by T.
Protein change: p.Ser684=; no amino-acid change (serine 684 retained).
Molecular consequence: synonymous variant.
Genome position (GRCh38, 1-based): chrX:13,760,512, C>T. VCF-style: chrX-13760512-C-T. GRCh37 (hg19) VCF-style: chrX-13778631-C-T.
Other names: p.Ser684=; c.1932C>T, p.Ser644= (NM_001330209.2); c.1632C>T, p.Ser544= (NM_001330210.2).
Identifiers: ClinVar variation 159468 (VCV000159468.26), dbSNP rs61742891, ClinGen allele CA172894.